The following is an entry in ClinVar:

ClinVar aggregate classification (germline): Pathogenic (1 of 4 stars; one submission).

Conditions:
Joubert syndrome and related disorders. Identifiers: Orphanet 140874, MedGen C5679612, MONDO:0015369.

Submission:

Women's Health and Genetics/Laboratory Corporation of America, LabCorp
Classification: Pathogenic for Joubert syndrome and related disorders. Last evaluated: 2026-02-17. Review status: criteria provided, single submitter. Criteria: LabCorp Variant Classification Summary - May 2015. Collection method: clinical testing. Allele origin: germline.
Comment: Variant summary: TCTN1 c.1133delG (p.Gly378GlufsX11) results in a premature termination codon, predicted to cause a truncation of the encoded protein or absence of the protein due to nonsense mediated decay, which are commonly known mechanisms for disease. The variant was absent in 249586 control chromosomes. To our knowledge, no occurrence of c.1133delG in individuals affected with TCTN1-related conditions and no experimental evidence demonstrating its impact on protein function have been reported. No submitters have cited clinical-significance assessments for this variant to ClinVar. Based on the evidence outlined above, the variant was classified as pathogenic.

NM_001082538.3(TCTN1):c.1133del (p.Gly378fs)

Gene: TCTN1 (tectonic family member 1; plus strand). Cytogenetic location: 12q24.11.
Variant type: Deletion.
Coding change: c.1133del on transcript NM_001082538.3 (MANE Select); coding-DNA position 1133, one base deleted (G; older notation c.1133delG).
Protein change: p.Gly378fs; shifts the reading frame from glycine 378.
Molecular consequence: frameshift variant.
Genome position (GRCh38, 1-based): chr12:110,641,570, G deleted; the last of 2 consecutive G bases (chr12:110,641,569-110,641,570); deleting either gives the same sequence. VCF-style (leftmost placement, unchanged base first): chr12-110641568-TG-T. GRCh37 (hg19) VCF-style: chr12-111079373-TG-T.
Other names: c.1133delG (NM_001082538.3); c.1133del, p.Gly378fs (NM_001082537.3, NM_001319680.2); c.965del, p.Gly322fs (NM_001173975.3); c.953del, p.Gly318fs (NM_001173976.2); c.599del, p.Gly200fs (NM_001319681.2); c.1091del, p.Gly364fs (NM_024549.6); short protein forms G200fs, G318fs, G322fs, G364fs, G378fs.
Identifiers: ClinVar variation 4848272 (VCV004848272.1).